The following is an entry in ClinVar:

NM_000287.4(PEX6):c.2734G>A (p.Ala912Thr)

Gene: PEX6 (peroxisomal biogenesis factor 6; minus strand). Cytogenetic location: 6p21.1.
Variant type: single nucleotide variant.
Coding change: c.2734G>A on transcript NM_000287.4 (MANE Select); coding-DNA position 2734, G replaced by A.
Protein change: p.Ala912Thr; replaces alanine 912 with threonine.
Molecular consequence: missense variant. On other transcripts: non-coding transcript variant (1).
Genome position (GRCh38, 1-based): chr6:42,964,862, C>T on the plus strand (G>A on the coding strand, the complement: PEX6 is on the minus strand). VCF-style: chr6-42964862-C-T. GRCh37 (hg19) VCF-style: chr6-42932600-C-T.
Other names: c.2470G>A, p.Ala824Thr (NM_001316313.2); c.2734G>A (NM_000287.3); short protein forms A824T, A912T.
Identifiers: ClinVar variation 1515421 (VCV001515421.9), dbSNP rs374549180, ClinGen allele CA3810921.
Genomic context (GRCh38, chr6:42,964,862, plus strand): 5'-CATGAACCCTGCGTTTGAGGGCAGCTGTCATAGCATCAGAGCAGAGAGAGTAGAGGTCCG[C>T]GCCCGTCAGCTGGGGAGGGCAGCAATCTAGCACGTTTACCAGGCTCACAGATGGCTCTAG-3'
Protein context (NP_000278.3, residues 902-922): LDCCPPQLTG[Ala912Thr]DLYSLCSDAM

ClinVar aggregate classification (germline): Pathogenic/Likely pathogenic. Review status: criteria provided, multiple submitters, no conflicts (2 of 4 stars). 4 submissions from 4 submitters: Pathogenic (1); Likely pathogenic (3). Last evaluated 2025-07-14.

Conditions:
Zellweger spectrum disorders (ZS). Also called: Zellweger Spectrum Disorder; Zellweger Spectrum; Zellweger syndrome; Zellweger Spectrum Disorder (ZSD). Identifiers: Orphanet 912, MedGen C0043459, MONDO:0019609.
Peroxisome biogenesis disorder. Identifiers: Orphanet 79189, MedGen C1832200, MONDO:0019234. Disease mechanism: loss of function.
Peroxisome biogenesis disorder 4A (Zellweger) (PBD4A). Also called: Zellweger syndrome spectrum (PEX6-related). Identifiers: Orphanet 912, MedGen C3553936, MONDO:0013930, OMIM 614862. Disease mechanism: loss of function.
Peroxisome biogenesis disorder 4B (PBD4B). Also called: SPINOCEREBELLAR ATAXIA WITH BLINDNESS AND DEAFNESS 1. Identifiers: Orphanet 44, Orphanet 95433, MedGen C3553937, MONDO:0013931, OMIM 614863.
Heimler syndrome 2 (HMLR2). Also called: PEROXISOME BIOGENESIS DISORDER 4C. Identifiers: Orphanet 3220, MedGen C4225267, OMIM 616617, MONDO:0014709.

Allele frequency attached by ClinVar (database versions not stated): gnomAD exomes 0.00001 and 0.00002; TOPMed 0.00001; ExAC 0.00002; gnomAD 0.00002; ESP Exome Variant Server 0.00008.
gnomAD v4.1: 13 of 1,614,018 alleles (0.00081%); highest among the groups gnomAD compares: African/African-American, 0.0027%; no homozygotes.

Submissions (4):

Natera, Inc.
Classification: Likely pathogenic for Zellweger syndrome. Last evaluated: 2025-07-14. Review status: criteria provided, single submitter. Criteria: Natera Variant Classification Schema (03/2026). Collection method: clinical testing. Allele origin: germline.
Comment: The c.2734G>A variant in PEX6 is a missense variant predicted to cause substitution of alanine to threonine at amino acid 912. This variant is rare in the general population with a frequency below the threshold expected for the associated phenotype(s). This variant has been observed in one or more individuals affected with the associated recessive disease, as either homozygous or compound heterozygous with a second variant (PMID: 27604308). A different variant at the same position has been determined to be Pathogenic or Likely Pathogenic. Computational prediction algorithms indicate this variant is likely to affect gene or protein function. Given the available evidence, this variant is classified as Likely Pathogenic.

Fulgent Genetics
Classification: Likely pathogenic for Peroxisome biogenesis disorder 4A (Zellweger); Peroxisome biogenesis disorder 4B; Heimler syndrome 2. Last evaluated: 2024-06-22. Review status: criteria provided, single submitter. Criteria: ACMG Guidelines, 2015. Collection method: clinical testing. Allele origin: germline.

Women's Health and Genetics/Laboratory Corporation of America, LabCorp
Classification: Pathogenic for Peroxisome biogenesis disorder. Last evaluated: 2024-06-21. Review status: criteria provided, single submitter. Criteria: LabCorp Variant Classification Summary - May 2015. Collection method: clinical testing. Allele origin: germline.
Comment: Variant summary: PEX6 c.2734G>A (p.Ala912Thr) results in a non-conservative amino acid change in the encoded protein sequence. Five of five in-silico tools predict a damaging effect of the variant on protein function. The variant allele was found at a frequency of 1.6e-05 in 251440 control chromosomes (gnomAD). c.2734G>A has been reported in the literature in two homozygous individuals from a family affected with clinical features of Zellweger Syndrome (Reid_2016). Additionally, another missense change at the same codon, p.Ala912Val, has been classified as pathogenic/likely pathogenic by several laboratories in ClinVar suggesting this is a functionally important residue. These data indicate that the variant is likely to be associated with disease. To our knowledge, no experimental evidence demonstrating an impact on protein function has been reported. The following publication has been ascertained in the context of this evaluation (PMID: 27604308). ClinVar contains an entry for this variant (Variation ID: 1515421). Based on the evidence outlined above, the variant was classified as pathogenic.

Labcorp Genetics (formerly Invitae), Labcorp
Classification: Likely pathogenic for Peroxisome biogenesis disorder. Last evaluated: 2024-04-11. Review status: criteria provided, single submitter. Criteria: Invitae Variant Classification Sherloc (09022015). Collection method: clinical testing. Allele origin: germline.
Comment: This sequence change replaces alanine, which is neutral and non-polar, with threonine, which is neutral and polar, at codon 912 of the PEX6 protein (p.Ala912Thr). This variant is present in population databases (rs374549180, gnomAD 0.004%). This missense change has been observed in individual(s) with clinical features of peroxisomal biogenesis disorders (PMID: 27604308). ClinVar contains an entry for this variant (Variation ID: 1515421). Advanced modeling of protein sequence and biophysical properties (such as structural, functional, and spatial information, amino acid conservation, physicochemical variation, residue mobility, and thermodynamic stability) performed at Invitae indicates that this missense variant is expected to disrupt PEX6 protein function with a positive predictive value of 95%. This variant disrupts the p.Ala912 amino acid residue in PEX6. Other variant(s) that disrupt this residue have been determined to be pathogenic (PMID: 26669662, 27779215). This suggests that this residue is clinically significant, and that variants that disrupt this residue are likely to be disease-causing. In summary, the currently available evidence indicates that the variant is pathogenic, but additional data are needed to prove that conclusively. Therefore, this variant has been classified as Likely Pathogenic.

Literature cited by the submitters: PubMed 27604308 (cited by 3 submitters); PubMed 26669662 (cited by Labcorp Genetics (formerly Invitae), Labcorp); PubMed 27779215 (cited by Labcorp Genetics (formerly Invitae), Labcorp).